The following is an entry in ClinVar:

ClinVar aggregate classification (germline): Uncertain significance (1 of 4 stars; one submission).

Submission:

GeneDx
Classification: Uncertain significance. Last evaluated: 2017-10-30. Review status: criteria provided, single submitter. Criteria: GeneDx Variant Classification (06012015). Collection method: clinical testing. Allele origin: germline. Affected: yes.
Comment: A variant of uncertain significance has been identified in the MIB1 gene. The c.2318delG variant has not been published as pathogenic or been reported as benign to our knowledge. The c.2318delG variant has not been observed in large population cohorts (Lek et al., 2016). This variant causes a shift in reading frame starting at codon glycine 773, changing it to a valine, and creating a premature stop codon at position 36 of the new reading frame, denoted p.Gly773ValfsX36. This variant is expected to result in either an abnormal, truncated protein product or loss of protein from this allele through nonsense-mediated mRNA decay. However, few other loss of function variants in the MIB1 gene have been reported in Human Gene Mutation Database in association with MIB1-associated disorders (Stenson et al., 2014), indicating that there is not enough evidence supporting haploinsufficiency as a disease mechanism for MIB1-related disorders.

NM_020774.4(MIB1):c.2318del (p.Gly773fs)

Gene: MIB1 (MIB E3 ubiquitin protein ligase 1; plus strand). Cytogenetic location: 18q11.2.
Variant type: Deletion.
Coding change: c.2318del on transcript NM_020774.4 (MANE Select); coding-DNA position 2318, one base deleted (G; older notation c.2318delG).
Protein change: p.Gly773fs; shifts the reading frame from glycine 773.
Molecular consequence: frameshift variant.
Genome position (GRCh38, 1-based): chr18:21,847,050, G deleted; the last of 3 consecutive G bases (chr18:21,847,048-21,847,050); deleting any one gives the same sequence. VCF-style (leftmost placement, unchanged base first): chr18-21847047-AG-A. GRCh37 (hg19) VCF-style: chr18-19427008-AG-A.
Other names: c.2318delG (NM_020774.3); short protein forms G773fs.
Identifiers: ClinVar variation 453108 (VCV000453108.2), dbSNP rs1555696210, ClinGen allele CA658658724.